The following is an entry in ClinVar:

NM_014000.3(VCL):c.1807A>T (p.Thr603Ser)

Gene: VCL (vinculin; plus strand). Cytogenetic location: 10q22.2.
Variant type: single nucleotide variant.
Coding change: c.1807A>T on transcript NM_014000.3 (MANE Select); coding-DNA position 1807, A replaced by T.
Protein change: p.Thr603Ser; replaces threonine 603 with serine.
Molecular consequence: missense variant.
Genome position (GRCh38, 1-based): chr10:74,097,267, A>T. VCF-style: chr10-74097267-A-T. GRCh37 (hg19) VCF-style: chr10-75857025-A-T.
Other names: c.1807A>T, p.Thr603Ser (NM_003373.4); short protein forms T603S.
Identifiers: ClinVar variation 1780498 (VCV001780498.6), dbSNP rs753788366, ClinGen allele CA5563086.

ClinVar aggregate classification (germline): Uncertain significance. Review status: criteria provided, multiple submitters, no conflicts (2 of 4 stars). 3 submissions from 3 submitters: Uncertain significance (3). Last evaluated 2024-06-02.

Conditions:
Cardiovascular phenotype. Identifiers: MedGen CN230736.
Dilated cardiomyopathy 1W (CMD1W). Identifiers: Orphanet 154, MedGen C1969639, MONDO:0012667, OMIM 611407.

gnomAD v4.1: 4 of 1,614,148 alleles (0.00025%); highest among the groups gnomAD compares: African/African-American, 0.0013%; no homozygotes.

Submissions (3):

Labcorp Genetics (formerly Invitae), Labcorp
Classification: Uncertain significance for Dilated cardiomyopathy 1W. Last evaluated: 2024-06-02. Review status: criteria provided, single submitter. Criteria: Invitae Variant Classification Sherloc (09022015). Collection method: clinical testing. Allele origin: germline.
Comment: This sequence change replaces threonine, which is neutral and polar, with serine, which is neutral and polar, at codon 603 of the VCL protein (p.Thr603Ser). This variant is present in population databases (rs753788366, gnomAD 0.0009%). This variant has not been reported in the literature in individuals affected with VCL-related conditions. ClinVar contains an entry for this variant (Variation ID: 1780498). An algorithm developed to predict the effect of missense changes on protein structure and function (PolyPhen-2) suggests that this variant is likely to be disruptive. In summary, the available evidence is currently insufficient to determine the role of this variant in disease. Therefore, it has been classified as a Variant of Uncertain Significance.

GeneDx
Classification: Uncertain significance. Last evaluated: 2024-03-17. Review status: criteria provided, single submitter. Criteria: GeneDx Variant Classification Process June 2021. Collection method: clinical testing. Allele origin: germline. Affected: yes.
Comment: Has not been previously published as pathogenic or benign to our knowledge; Not observed at significant frequency in large population cohorts (gnomAD); In silico analysis supports that this missense variant does not alter protein structure/function

Ambry Genetics
Classification: Uncertain significance for Cardiovascular phenotype. Last evaluated: 2020-12-17. Review status: criteria provided, single submitter. Criteria: Ambry Variant Classification Scheme 2023. Collection method: clinical testing. Allele origin: germline.
Comment: The p.T603S variant (also known as c.1807A>T), located in coding exon 13 of the VCL gene, results from an A to T substitution at nucleotide position 1807. The threonine at codon 603 is replaced by serine, an amino acid with similar properties. This amino acid position is highly conserved in available vertebrate species. In addition, the in silico prediction for this alteration is inconclusive. Since supporting evidence is limited at this time, the clinical significance of this alteration remains unclear.